The following is an entry in ClinVar:

NM_000268.4(NF2):c.67A>C (p.Thr23Pro)

Gene: NF2 (NF2, moesin-ezrin-radixin like (MERLIN) tumor suppressor; plus strand). Cytogenetic location: 22q12.2.
Variant type: single nucleotide variant.
Coding change: c.67A>C on transcript NM_000268.4 (MANE Select); coding-DNA position 67, A replaced by C.
Protein change: p.Thr23Pro; replaces threonine 23 with proline.
Molecular consequence: missense variant. On other transcripts: non-coding transcript variant (1).
Genome position (GRCh38, 1-based): chr22:29,604,065, A>C. VCF-style: chr22-29604065-A-C. GRCh37 (hg19) VCF-style: chr22-30000054-A-C.
Other names: c.67A>C, p.Thr23Pro (NM_016418.5, NM_181825.3, NM_181828.3 and 5 more transcripts); c.67A>C (NM_000268.3); short protein forms T23P.
Identifiers: ClinVar variation 1035608 (VCV001035608.10), dbSNP rs2064715937, ClinGen allele CA411146054.

ClinVar aggregate classification (germline): Uncertain significance. Review status: criteria provided, multiple submitters, no conflicts (2 of 4 stars). 2 submissions from 2 submitters: Uncertain significance (2). Last evaluated 2025-03-28.

Conditions:
Hereditary cancer-predisposing syndrome. Also called: Neoplastic Syndromes, Hereditary; Hereditary Cancer Syndrome; Hereditary neoplastic syndrome; Tumor predisposition. Identifiers: Orphanet 140162, MedGen C0027672, MeSH D009386, MONDO:0015356.
Neurofibromatosis, type 2 (SWNV). Also called: BILATERAL ACOUSTIC NEUROFIBROMATOSIS; NF2-Related Schwannomatosis; SCHWANNOMATOSIS, VESTIBULAR. Identifiers: Orphanet 637, MedGen C0027832, MONDO:0007039, OMIM 101000. Disease mechanism: loss of function.

Submissions (2):

Ambry Genetics
Classification: Uncertain significance for Hereditary cancer-predisposing syndrome. Last evaluated: 2025-03-28. Review status: criteria provided, single submitter. Criteria: Ambry Variant Classification Scheme 2023. Collection method: clinical testing. Allele origin: germline.
Comment: The p.T23P variant (also known as c.67A>C), located in coding exon 1 of the NF2 gene, results from an A to C substitution at nucleotide position 67. The threonine at codon 23 is replaced by proline, an amino acid with highly similar properties. This amino acid position is conserved. In addition, the in silico prediction for this alteration is inconclusive. Based on the available evidence, the clinical significance of this variant remains unclear.

Labcorp Genetics (formerly Invitae), Labcorp
Classification: Uncertain significance for Neurofibromatosis, type 2. Last evaluated: 2020-05-20. Review status: criteria provided, single submitter. Criteria: Invitae Variant Classification Sherloc (09022015). Collection method: clinical testing. Allele origin: germline.
Comment: This variant has not been reported in the literature in individuals with NF2-related conditions. In summary, the available evidence is currently insufficient to determine the role of this variant in disease. Therefore, it has been classified as a Variant of Uncertain Significance. Algorithms developed to predict the effect of missense changes on protein structure and function (SIFT, PolyPhen-2, Align-GVGD) all suggest that this variant is likely to be tolerated, but these predictions have not been confirmed by published functional studies and their clinical significance is uncertain. This variant is not present in population databases (ExAC no frequency). This sequence change replaces threonine with proline at codon 23 of the NF2 protein (p.Thr23Pro). The threonine residue is weakly conserved and there is a small physicochemical difference between threonine and proline.